The following is an entry in ClinVar:

NM_000435.3(NOTCH3):c.771C>A (p.Thr257=)

Gene: NOTCH3 (notch receptor 3; minus strand). Cytogenetic location: 19p13.12.
Variant type: single nucleotide variant.
Coding change: c.771C>A on transcript NM_000435.3 (MANE Select); coding-DNA position 771, C replaced by A.
Protein change: p.Thr257=; no amino-acid change (threonine 257 retained).
Molecular consequence: synonymous variant.
Genome position (GRCh38, 1-based): chr19:15,191,776, G>T on the plus strand (C>A on the coding strand, the complement: NOTCH3 is on the minus strand). VCF-style: chr19-15191776-G-T. GRCh37 (hg19) VCF-style: chr19-15302587-G-T.
Identifiers: ClinVar variation 719795 (VCV000719795.34), dbSNP rs373744631, ClinGen allele CA9263795.

ClinVar aggregate classification (germline): Likely benign. Review status: criteria provided, multiple submitters, no conflicts (2 of 4 stars). 4 submissions from 4 submitters: Likely benign (4). Last evaluated 2026-06-05.

Conditions:
NOTCH3-related disorder. Also called: NOTCH3-related disorders; NOTCH3-related condition.

Allele frequency attached by ClinVar (database versions not stated): gnomAD exomes 0.00004 and 0.00006; TOPMed 0.00004; gnomAD 0.00005 and 0.00006; ExAC 0.00008; ESP Exome Variant Server 0.00008.
gnomAD v4.1: 70 of 1,613,940 alleles (0.0043%); highest among the groups gnomAD compares: Non-Finnish European, 0.0056%; no homozygotes.

Submissions (4):

PreventionGenetics, part of Exact Sciences
Classification: Likely benign for NOTCH3-related condition. Last evaluated: 2026-06-05. Review status: criteria provided, single submitter. Criteria: ACMG Guidelines, 2015. Collection method: clinical testing. Allele origin: germline.
Comment: This variant is classified as likely benign based on ACMG/AMP sequence variant interpretation guidelines (Richards et al. 2015 PMID: 25741868, with internal and published modifications).

CeGaT Center for Human Genetics Tuebingen
Classification: Likely benign. Last evaluated: 2026-01-01. Review status: criteria provided, single submitter. Criteria: CeGaT Center For Human Genetics Tuebingen Variant Classification Criteria Version 2. Collection method: clinical testing. Allele origin: germline. Affected: yes. Observed: 2 variant alleles.
Comment: NOTCH3: BP4, BP7

Labcorp Genetics (formerly Invitae), Labcorp
Classification: Likely benign. Last evaluated: 2025-10-02. Review status: criteria provided, single submitter. Criteria: Invitae Variant Classification Sherloc (09022015). Collection method: clinical testing. Allele origin: germline.

Blueprint Genetics
Classification: Likely benign. Last evaluated: 2024-10-16. Review status: criteria provided, single submitter. Criteria: ACMG Guidelines, 2015. Collection method: clinical testing. Allele origin: germline.